The following is an entry in ClinVar:

ClinVar aggregate classification (germline): Conflicting classifications of pathogenicity. Review status: criteria provided, conflicting classifications (1 of 4 stars). 6 submissions from 6 submitters: Uncertain significance (1); Benign (2); Likely benign (3). Last evaluated 2026-01-27.

Conditions:
Nephronophthisis. Also called: Juvenile Nephronophthisis. Identifiers: Orphanet 655, MedGen C0687120, MONDO:0019005, HP:0000090.
Infantile nephronophthisis (NPHP2). Also called: Nephronophthisis 2, infantile; Nephronophthisis 2. Identifiers: Orphanet 655, Orphanet 93591, MedGen C1865872, MONDO:0011190, OMIM 602088.

Allele frequency attached by ClinVar (database versions not stated): 1000 Genomes Project 30x 0.00078; 1000 Genomes Project 0.00100; TOPMed 0.00200; gnomAD 0.00232 and 0.00237; gnomAD exomes 0.00252 and 0.00286; ESP Exome Variant Server 0.00254; ExAC 0.00267.
gnomAD v4.1: 4,522 of 1,614,000 alleles (0.28%); highest among the groups gnomAD compares: South Asian, 0.33%; 14 homozygotes.

Submissions (7):

Labcorp Genetics (formerly Invitae), Labcorp
Classification: Benign for Nephronophthisis. Last evaluated: 2026-01-27. Review status: criteria provided, single submitter. Criteria: Invitae Variant Classification Sherloc (09022015). Collection method: clinical testing. Allele origin: germline.

CeGaT Center for Human Genetics Tuebingen
Classification: Likely benign. Last evaluated: 2025-08-01. Review status: criteria provided, single submitter. Criteria: CeGaT Center For Human Genetics Tuebingen Variant Classification Criteria Version 2. Collection method: clinical testing. Allele origin: germline. Affected: yes. Observed: 9 variant alleles.
Comment: INVS: BP4, BS2

Mayo Clinic Laboratories, Mayo Clinic
Classification: Benign. Last evaluated: 2025-02-06. Review status: criteria provided, single submitter. Criteria: ACMG Guidelines, 2015. Collection method: clinical testing. Allele origin: germline. Observed: 2 variant alleles.
Comment: BS1, BS2, BP4_moderate

Blueprint Genetics
Classification: Likely benign. Last evaluated: 2024-11-26. Review status: criteria provided, single submitter. Criteria: ACMG Guidelines, 2015. Collection method: clinical testing. Allele origin: germline.

Illumina Laboratory Services, Illumina
Classification: Uncertain significance for Infantile nephronophthisis. Last evaluated: 2018-01-13. Review status: criteria provided, single submitter. Criteria: ICSL Variant Classification Criteria 13 December 2019. Collection method: clinical testing. Allele origin: germline.

Eurofins Ntd Llc (ga)
Classification: Likely benign. Last evaluated: 2016-01-12. Review status: criteria provided, single submitter. Criteria: EGL Classification Definitions 2015. Collection method: clinical testing. Allele origin: germline. Observed: 1 variant allele, 1 heterozygote.

Dr. Peter K. Rogan Lab, Western University
No classification provided (evidence only). Condition: Malignant tumor of urinary bladder. Review status: no classification provided. Collection method: in vitro. Allele origin: not applicable. Functional consequence: retained intron. Not counted in ClinVar's aggregate classification.

Literature cited by the submitters: PubMed 31308072 (cited by Mayo Clinic Laboratories, Mayo Clinic); PubMed 37230223 (cited by Mayo Clinic Laboratories, Mayo Clinic).

NM_014425.5(INVS):c.2803C>T (p.His935Tyr)

Gene: INVS (inversin; plus strand). Cytogenetic location: 9q31.1.
Variant type: single nucleotide variant.
Coding change: c.2803C>T on transcript NM_014425.5 (MANE Select); coding-DNA position 2803, C replaced by T.
Protein change: p.His935Tyr; replaces histidine 935 with tyrosine.
Molecular consequence: missense variant. On other transcripts: non-coding transcript variant (1).
Genome position (GRCh38, 1-based): chr9:100,296,933, C>T. VCF-style: chr9-100296933-C-T. GRCh37 (hg19) VCF-style: chr9-103059215-C-T.
Other names: p.His935Tyr; c.2515C>T, p.His839Tyr (NM_001318381.2); c.1825C>T, p.His609Tyr (NM_001318382.2); short protein forms H935Y, H609Y, H839Y.
Identifiers: ClinVar variation 215514 (VCV000215514.46), dbSNP rs139768159, ClinGen allele CA336473.